The following is an entry in ClinVar:

ClinVar aggregate classification (germline): Uncertain significance (1 of 4 stars; one submission).

Submission:

Ambry Genetics
Classification: Uncertain significance. Last evaluated: 2024-08-26. Review status: criteria provided, single submitter. Criteria: Ambry Variant Classification Scheme 2023. Collection method: clinical testing. Allele origin: germline.
Comment: The p.C2099W variant (also known as c.6297T>G), located in coding exon 20 of the POLQ gene, results from a T to G substitution at nucleotide position 6297. The cysteine at codon 2099 is replaced by tryptophan, an amino acid with highly dissimilar properties. This amino acid position is conserved. In addition, the in silico prediction for this alteration is inconclusive. Based on the available evidence, the clinical significance of this variant remains unclear.

NM_199420.4(POLQ):c.6297T>G (p.Cys2099Trp)

Gene: POLQ (DNA polymerase theta; minus strand). Cytogenetic location: 3q13.33.
Variant type: single nucleotide variant.
Coding change: c.6297T>G on transcript NM_199420.4 (MANE Select); coding-DNA position 6297, T replaced by G.
Protein change: p.Cys2099Trp; replaces cysteine 2099 with tryptophan.
Molecular consequence: missense variant.
Genome position (GRCh38, 1-based): chr3:121,476,648, A>C on the plus strand (T>G on the coding strand, the complement: POLQ is on the minus strand). VCF-style: chr3-121476648-A-C. GRCh37 (hg19) VCF-style: chr3-121195495-A-C.
Other names: short protein forms C2099W.
Identifiers: ClinVar variation 3422515 (VCV003422515.1).